The following is an entry in ClinVar:

ClinVar aggregate classification (germline): Uncertain significance. Review status: criteria provided, multiple submitters, no conflicts (2 of 4 stars). 2 submissions from 2 submitters: Uncertain significance (2). Last evaluated 2025-10-27.

Conditions:
Dilated cardiomyopathy 1AA (CMD1AA). Also called: Cardiomyopathy, dilated, 1AA, with or without LVNC; CARDIOMYOPATHY, DILATED, 1AA, WITH OR WITHOUT LEFT VENTRICULAR NONCOMPACTION; CARDIOMYOPATHY, FAMILIAL HYPERTROPHIC, 23, WITH OR WITHOUT LEFT VENTRICULAR NONCOMPACTION. Identifiers: Orphanet 154, MedGen C2677338, MONDO:0012808, OMIM 612158.
Primary familial hypertrophic cardiomyopathy (HCM). Identifiers: Orphanet 99739, MedGen C0949658, MeSH D024741, MONDO:0024573. Inheritance: Various modes of inheritance.
Myopathy, congenital, with structured cores and z-line abnormalities. Also called: MULTIPLE STRUCTURED CORE DISEASE; CONGENITAL MYOPATHY 8. Identifiers: MedGen C5231445, MONDO:0032852, OMIM 618654.

Allele frequency attached by ClinVar (database versions not stated): gnomAD exomes below 0.00001.
gnomAD v4.1: 1 of 1,614,112 alleles (0.000062%); highest among the groups gnomAD compares: Non-Finnish European, 0.000085%; no homozygotes.

Submissions (2):

Dasa
Classification: Uncertain significance for Myopathy, congenital, with structured cores and z-line abnormalities. Last evaluated: 2025-10-27. Review status: criteria provided, single submitter. Criteria: DASA Assertion Criteria. Collection method: clinical testing. Allele origin: germline.
Comment: NM_001103.4(ACTN2):c.1469G>A (p.Trp490*) is a nonsense variant in ACTN2 predicted to introduce a premature termination codon. This variant is rare in population databases. The currently available literature and clinical evidence are not sufficient to establish a definitive association between this variant and the reported condition. Therefore, this variant is classified as a variant of uncertain significance.

Labcorp Genetics (formerly Invitae), Labcorp
Classification: Uncertain significance for Primary familial hypertrophic cardiomyopathy; Dilated cardiomyopathy 1AA. Last evaluated: 2023-06-02. Review status: criteria provided, single submitter. Criteria: Invitae Variant Classification Sherloc (09022015). Collection method: clinical testing. Allele origin: germline.
Comment: In summary, the available evidence is currently insufficient to determine the role of this variant in disease. Therefore, it has been classified as a Variant of Uncertain Significance. ClinVar contains an entry for this variant (Variation ID: 654713). This sequence change creates a premature translational stop signal (p.Trp490*) in the ACTN2 gene. It is expected to result in an absent or disrupted protein product. However, the current clinical and genetic evidence is not sufficient to establish whether loss-of-function variants in ACTN2 cause disease. This variant is not present in population databases (gnomAD no frequency). This variant has not been reported in the literature in individuals affected with ACTN2-related conditions.

NM_001103.4(ACTN2):c.1469G>A (p.Trp490Ter)

Gene: ACTN2 (actinin alpha 2; plus strand). Cytogenetic location: 1q43.
Variant type: single nucleotide variant.
Coding change: c.1469G>A on transcript NM_001103.4 (MANE Select); coding-DNA position 1469, G replaced by A.
Protein change: p.Trp490Ter; replaces tryptophan 490 with a stop codon.
Molecular consequence: nonsense.
Genome position (GRCh38, 1-based): chr1:236,747,729, G>A. VCF-style: chr1-236747729-G-A. GRCh37 (hg19) VCF-style: chr1-236911029-G-A.
Other names: c.1469G>A, p.Trp490Ter (NM_001278343.2); c.845G>A, p.Trp282Ter (NM_001278344.2); short protein forms W282*, W490*.
Identifiers: ClinVar variation 654713 (VCV000654713.9), dbSNP rs1572140129, ClinGen allele CA345384047.
Genomic context (GRCh38, chr1:236,747,729, plus strand): 5'-AACTGGACTATCACGACGCTGTGAATGTCAATGATCGGTGCCAGAAAATTTGTGACCAGT[G>A]GGACCGACTGGGAACGCTTACTCAGAAGAGGAGAGAAGCCCTAGAGGTGAAGTATTGAAG-3'